The following is an entry in ClinVar:

NM_000342.4(SLC4A1):c.2326A>G (p.Met776Val)

Gene: SLC4A1 (solute carrier family 4 member 1 (Diego blood group); minus strand). Cytogenetic location: 17q21.31.
Variant type: single nucleotide variant.
Coding change: c.2326A>G on transcript NM_000342.4 (MANE Select); coding-DNA position 2326, A replaced by G.
Protein change: p.Met776Val; replaces methionine 776 with valine.
Molecular consequence: missense variant.
Genome position (GRCh38, 1-based): chr17:44,251,574, T>C on the plus strand (A>G on the coding strand, the complement: SLC4A1 is on the minus strand). VCF-style: chr17-44251574-T-C. GRCh37 (hg19) VCF-style: chr17-42328942-T-C.
Other names: c.2326A>G (NM_000342.3); short protein forms M776V.
Identifiers: ClinVar variation 2421448 (VCV002421448.8), dbSNP rs773964173, ClinGen allele CA8600058.

ClinVar aggregate classification (germline): Uncertain significance. Review status: criteria provided, multiple submitters, no conflicts (2 of 4 stars). 3 submissions from 3 submitters: Uncertain significance (3). Last evaluated 2024-03-11.

Conditions:
Hereditary spherocytosis type 4. Also called: SLC4A1-Related Spherocytosis. Identifiers: Orphanet 822, MedGen C2675212, MONDO:0012981, OMIM 612653.
BLOOD GROUP, WALDNER (WD). Also called: WALDNER BLOOD GROUP ANTIGEN. Identifiers: MedGen C1862191, OMIM 112010.
Autosomal dominant distal renal tubular acidosis (DRTA1). Also called: RTA, CLASSIC TYPE; RTA, DISTAL TYPE, AUTOSOMAL DOMINANT; RTA, GRADIENT TYPE; Renal Tubular Acidosis, Type I; RENAL TUBULAR ACIDOSIS, DISTAL, 1. Identifiers: Orphanet 93608, MedGen CN280572, MONDO:0008368, OMIM 179800.
Southeast Asian ovalocytosis. Also called: Stomatocytic elliptocytosis, hereditary; Ovalocytosis, Malaysian-Melanesian-Filipino type; Elliptocytosis 4; HE, STOMATOCYTIC. Identifiers: Orphanet 98868, MedGen C1862322, MONDO:0008165, OMIM 166900.
BLOOD GROUP--DIEGO SYSTEM (DI). Identifiers: MedGen C1292286, OMIM 110500.
BLOOD GROUP--WRIGHT ANTIGEN (WR). Identifiers: MedGen C1862190, OMIM 112050.
BLOOD GROUP--FROESE (FR). Also called: FROESE BLOOD GROUP ANTIGEN. Identifiers: MedGen C1832168, OMIM 601551.
BLOOD GROUP--SWANN SYSTEM (SW). Also called: SWANN BLOOD GROUP. Identifiers: MedGen C1832169, OMIM 601550.
Malaria, susceptibility to. Identifiers: Orphanet 673, MedGen C1970028, MONDO:0021024, OMIM 611162.
Cryohydrocytosis. Also called: STOMATOCYTOSIS, COLD-SENSITIVE; Hereditary cryohydrocytosis with normal stomatin; CRYOHYDROCYTOSIS DUE TO BAND 3 HEMEL; CRYOHYDROCYTOSIS DUE TO BAND 3 HURSTPIERPOINT; CRYOHYDROCYTOSIS DUE TO BAND 3 BLACKBURN. Identifiers: Orphanet 398088, MedGen C1861453, MONDO:0008494, OMIM 185020.
Renal tubular acidosis, distal, 4, with hemolytic anemia. Also called: Renal Tubular Acidosis, Distal, with Hemolytic Anemia. Identifiers: Orphanet 93610, MedGen C5436235, MONDO:0012700, OMIM 611590.
Inborn genetic diseases. Identifiers: MedGen C0950123, MeSH D030342.

Allele frequency attached by ClinVar (database versions not stated): gnomAD exomes 0.00003; ExAC 0.00001; gnomAD 0.00002.

Submissions (3):

Fulgent Genetics
Classification: Uncertain significance for BLOOD GROUP--DIEGO SYSTEM; BLOOD GROUP, WALDNER; BLOOD GROUP--WRIGHT ANTIGEN; Southeast Asian ovalocytosis; Autosomal dominant distal renal tubular acidosis; Cryohydrocytosis; BLOOD GROUP--SWANN SYSTEM; BLOOD GROUP--FROESE; Malaria, susceptibility to; Renal tubular acidosis, distal, 4, with hemolytic anemia; Hereditary spherocytosis type 4. Last evaluated: 2024-03-11. Review status: criteria provided, single submitter. Criteria: ACMG Guidelines, 2015. Collection method: clinical testing. Allele origin: germline.

Ambry Genetics
Classification: Uncertain significance for Inborn genetic diseases. Last evaluated: 2023-11-18. Review status: criteria provided, single submitter. Criteria: Ambry Variant Classification Scheme 2023. Collection method: clinical testing. Allele origin: germline.

Labcorp Genetics (formerly Invitae), Labcorp
Classification: Uncertain significance. Last evaluated: 2022-03-11. Review status: criteria provided, single submitter. Criteria: Invitae Variant Classification Sherloc (09022015). Collection method: clinical testing. Allele origin: germline.
Comment: The frequency data for this variant in the population databases is considered unreliable, as metrics indicate poor data quality at this position in the gnomAD database. This sequence change replaces methionine, which is neutral and non-polar, with valine, which is neutral and non-polar, at codon 776 of the SLC4A1 protein (p.Met776Val). This variant has not been reported in the literature in individuals affected with SLC4A1-related conditions. Algorithms developed to predict the effect of missense changes on protein structure and function are either unavailable or do not agree on the potential impact of this missense change (SIFT: "Tolerated"; PolyPhen-2: "Possibly Damaging"; Align-GVGD: "Class C0"). In summary, the available evidence is currently insufficient to determine the role of this variant in disease. Therefore, it has been classified as a Variant of Uncertain Significance.